The following is an entry in ClinVar:

NM_001110556.2(FLNA):c.138_139dup (p.Asn47fs)

Gene: FLNA (filamin A; minus strand). Cytogenetic location: Xq28.
Variant type: Duplication.
Coding change: c.138_139dup on transcript NM_001110556.2 (MANE Select); coding-DNA positions 138 to 139, 2 bases duplicated (GA; older notation c.138_139dupGA).
Protein change: p.Asn47fs; shifts the reading frame from asparagine 47.
Molecular consequence: frameshift variant.
Genome position (GRCh38, 1-based): chrX:154,371,107-154,371,108, TC duplicated on the plus strand (GA on the coding strand, the reverse complement: FLNA is on the minus strand); duplicating any 2 consecutive bases within chrX:154,371,107-154,371,109 gives the same sequence; the c. name uses the placement nearest the transcript's 3' end. VCF-style (leftmost placement, unchanged base first): chrX-154371106-T-TTC. GRCh37 (hg19) VCF-style: chrX-153599474-T-TTC.
Other names: c.138_139dup, p.Asn47fs (NM_001456.4); short protein forms N47fs.
Identifiers: ClinVar variation 976300 (VCV000976300.1), dbSNP rs2067802877, ClinGen allele CA1139667851.

ClinVar aggregate classification (germline): Pathogenic (1 of 4 stars; one submission).

Conditions:
Heterotopia, periventricular, X-linked dominant (PVNH1). Also called: X-linked periventricular heterotopia; PERIVENTRICULAR NODULAR HETEROTOPIA 1; PERIVENTRICULAR NODULAR HETEROTOPIA 4; HETEROTOPIA, PERIVENTRICULAR, 1. Identifiers: Orphanet 2149, Orphanet 82004, MedGen C1848213, MONDO:0010233, OMIM 300049.

Submission:

Institute of Human Genetics, University of Leipzig Medical Center
Classification: Pathogenic for Heterotopia, periventricular, X-linked dominant. Last evaluated: 2019-06-03. Review status: criteria provided, single submitter. Criteria: ACMG Guidelines, 2015. Collection method: clinical testing. Allele origin: germline. Affected: yes. Observed: 1 variant allele.
Comment: This variant was identified as de novo